The following is an entry in ClinVar:

NM_004540.5(NCAM2):c.972G>A (p.Ala324=)

Gene: NCAM2 (neural cell adhesion molecule 2; plus strand). Cytogenetic location: 21q21.1.
Variant type: single nucleotide variant.
Coding change: c.972G>A on transcript NM_004540.5 (MANE Select); coding-DNA position 972, G replaced by A.
Protein change: p.Ala324=; no amino-acid change (alanine 324 retained).
Molecular consequence: synonymous variant.
Genome position (GRCh38, 1-based): chr21:21,338,462, G>A. VCF-style: chr21-21338462-G-A. GRCh37 (hg19) VCF-style: chr21-22710782-G-A.
Other names: c.972G>A, p.Ala324= (NM_001352591.2, NM_001352593.2, NM_001352594.2 and 1 more transcripts); c.1047G>A, p.Ala349= (NM_001352592.2, NM_001352597.2); c.546G>A, p.Ala182= (NM_001352595.2).
Identifiers: ClinVar variation 4979512 (VCV004979512.1).

ClinVar aggregate classification (germline): Likely benign (1 of 4 stars; one submission).

Conditions:
NCAM2-related disorder. Also called: NCAM2-related condition.

gnomAD v4.1: 16 of 1,612,742 alleles (0.00099%); highest among the groups gnomAD compares: African/African-American, 0.0027%; no homozygotes.

Submission:

PreventionGenetics, part of Exact Sciences
Classification: Likely benign for NCAM2-related condition. Last evaluated: 2025-07-28. Review status: criteria provided, single submitter. Criteria: ACMG Guidelines, 2015. Collection method: clinical testing. Allele origin: germline.
Comment: This variant is classified as likely benign based on ACMG/AMP sequence variant interpretation guidelines (Richards et al. 2015 PMID: 25741868, with internal and published modifications).